The following is an entry in ClinVar:

ClinVar aggregate classification (germline): Uncertain significance (1 of 4 stars; one submission).

Allele frequency attached by ClinVar (database versions not stated): ExAC 0.00001; gnomAD exomes 0.00001; TOPMed 0.00001; gnomAD 0.00003; ESP Exome Variant Server 0.00008.
gnomAD v4.1: 23 of 1,612,862 alleles (0.0014%); highest among the groups gnomAD compares: South Asian, 0.0077%; no homozygotes.

Submission:

Labcorp Genetics (formerly Invitae), Labcorp
Classification: Uncertain significance. Last evaluated: 2022-06-19. Review status: criteria provided, single submitter. Criteria: Invitae Variant Classification Sherloc (09022015). Collection method: clinical testing. Allele origin: germline.
Comment: This sequence change replaces arginine, which is basic and polar, with cysteine, which is neutral and slightly polar, at codon 2577 of the LRP2 protein (p.Arg2577Cys). This variant is present in population databases (rs367997832, gnomAD 0.01%). This missense change has been observed in individual(s) with a neurodevelopmental disorder (PMID: 31785789). Advanced modeling of protein sequence and biophysical properties (such as structural, functional, and spatial information, amino acid conservation, physicochemical variation, residue mobility, and thermodynamic stability) performed at Invitae indicates that this missense variant is expected to disrupt LRP2 protein function. In summary, the available evidence is currently insufficient to determine the role of this variant in disease. Therefore, it has been classified as a Variant of Uncertain Significance.

Literature cited by the submitters: PubMed 31785789.

NM_004525.3(LRP2):c.7729C>T (p.Arg2577Cys)

Gene: LRP2 (LDL receptor related protein 2; minus strand). Cytogenetic location: 2q31.1.
Variant type: single nucleotide variant.
Coding change: c.7729C>T on transcript NM_004525.3 (MANE Select); coding-DNA position 7729, C replaced by T.
Protein change: p.Arg2577Cys; replaces arginine 2577 with cysteine.
Molecular consequence: missense variant.
Genome position (GRCh38, 1-based): chr2:169,204,258, G>A on the plus strand (C>T on the coding strand, the complement: LRP2 is on the minus strand). VCF-style: chr2-169204258-G-A. GRCh37 (hg19) VCF-style: chr2-170060768-G-A.
Other names: short protein forms R2577C.
Identifiers: ClinVar variation 1986416 (VCV001986416.1), dbSNP rs367997832, ClinGen allele CA1954016.